The following is an entry in ClinVar:

NM_000051.4(ATM):c.2209G>T (p.Glu737Ter)

Gene: ATM (ATM serine/threonine kinase; plus strand). Cytogenetic location: 11q22.3.
Variant type: single nucleotide variant.
Coding change: c.2209G>T on transcript NM_000051.4 (MANE Select); coding-DNA position 2209, G replaced by T.
Protein change: p.Glu737Ter; replaces glutamic acid 737 with a stop codon.
Molecular consequence: nonsense.
Genome position (GRCh38, 1-based): chr11:108,256,299, G>T. VCF-style: chr11-108256299-G-T. GRCh37 (hg19) VCF-style: chr11-108127026-G-T.
Other names: c.2209G>T, p.Glu737Ter (NM_001351834.2); short protein forms E737*.
Identifiers: ClinVar variation 3148252 (VCV003148252.1), dbSNP rs2135394119, ClinGen allele CA382539040.

ClinVar aggregate classification (germline): Pathogenic (1 of 4 stars; one submission).

Conditions:
Familial cancer of breast. Also called: BREAST CANCER, FAMILIAL; Hereditary breast cancer; hereditary breast carcinoma. Identifiers: Orphanet 227535, MedGen C0346153, MONDO:0016419, OMIM 114480. Disease mechanism: loss of function.

Submission:

Myriad Genetics, Inc.
Classification: Pathogenic for Familial cancer of breast. Last evaluated: 2024-01-17. Review status: criteria provided, single submitter. Criteria: Myriad Autosomal Dominant, Autosomal Recessive and X-Linked Classification Criteria (2023). Collection method: clinical testing. Allele origin: unknown.
Comment: This variant is considered pathogenic. This variant creates a termination codon and is predicted to result in premature protein truncation.